The following is an entry in ClinVar:

ClinVar aggregate classification (germline): Conflicting classifications of pathogenicity. Review status: criteria provided, conflicting classifications (1 of 4 stars). 3 submissions from 3 submitters: Uncertain significance (2); Likely benign (1). Last evaluated 2026-06-27.

Conditions:
TTN-related disorder. Also called: TTN-related condition; TTN-related disease; TTN-related disorders.
Primary dilated cardiomyopathy (DCM). Also called: Dilated Cardiomyopathy. Identifiers: Orphanet 217604, MedGen C0007193, MeSH D002311, MONDO:0005021, HP:0001644. Inheritance: Various modes of inheritance.

Allele frequency attached by ClinVar (database versions not stated): gnomAD exomes 0.00001 and 0.00002; TOPMed 0.00001; gnomAD 0.00002.
gnomAD v4.1: 31 of 1,612,212 alleles (0.0019%); highest among the groups gnomAD compares: Non-Finnish European, 0.0025%; no homozygotes.

Submissions (3):

PreventionGenetics, part of Exact Sciences
Classification: Uncertain significance for TTN-related condition. Last evaluated: 2026-06-27. Review status: criteria provided, single submitter. Criteria: ACMG Guidelines, 2015. Collection method: clinical testing. Allele origin: germline.
Comment: The TTN c.46079T>C variant is predicted to result in the amino acid substitution p.Ile15360Thr. To our knowledge, this variant has not been reported in the literature. This variant is reported in 0.0031% of alleles in individuals of European (Non-Finnish) descent in gnomAD. At this time, the clinical significance of this variant is uncertain due to the absence of conclusive functional and genetic evidence.

Center for Advanced Laboratory Medicine, UC San Diego Health, University of California San Diego
Classification: Likely benign for Dilated cardiomyopathy. Last evaluated: 2019-05-14. Review status: criteria provided, single submitter. Criteria: ACMG Guidelines, 2015. Collection method: clinical testing. Allele origin: germline. Affected: yes. Observed: 2 variant alleles.

Eurofins Ntd Llc (ga)
Classification: Uncertain significance. Last evaluated: 2017-01-11. Review status: criteria provided, single submitter. Criteria: EGL Classification Definitions 2015. Collection method: clinical testing. Allele origin: germline. Observed: 2 variant alleles, 2 heterozygotes.

NM_001267550.2(TTN):c.46079T>C (p.Ile15360Thr)

Gene: TTN (titin; minus strand). Cytogenetic location: 2q31.2.
Variant type: single nucleotide variant.
Coding change: c.46079T>C on transcript NM_001267550.2 (MANE Select); coding-DNA position 46079, T replaced by C.
Protein change: p.Ile15360Thr; replaces isoleucine 15360 with threonine.
Molecular consequence: missense variant.
Genome position (GRCh38, 1-based): chr2:178,620,442, A>G on the plus strand (T>C on the coding strand, the complement: TTN is on the minus strand). VCF-style: chr2-178620442-A-G. GRCh37 (hg19) VCF-style: chr2-179485169-A-G.
Other names: c.41156T>C, p.Ile13719Thr (NM_001256850.1); c.18884T>C, p.Ile6295Thr (NM_003319.4); c.38375T>C, p.Ile12792Thr (NM_133378.4); c.19259T>C, p.Ile6420Thr (NM_133432.3); c.19460T>C, p.Ile6487Thr (NM_133437.4); short protein forms I12792T, I15360T, I13719T, I6295T, I6487T, I6420T.
Identifiers: ClinVar variation 499602 (VCV000499602.7), dbSNP rs1465320800, ClinGen allele CA349629531.